The following is an entry in ClinVar:

NM_014014.5(SNRNP200):c.5102G>A (p.Arg1701His)

Genes: SNRNP200 (small nuclear ribonucleoprotein U5 subunit 200; minus strand), LOC126806272 (BRD4-independent group 4 enhancer GRCh37_chr2:96944520-96945719; plus strand). Cytogenetic location: 2q11.2.
Variant type: single nucleotide variant.
Coding change: c.5102G>A on transcript NM_014014.5 (MANE Select); coding-DNA position 5102, G replaced by A.
Protein change: p.Arg1701His; replaces arginine 1701 with histidine.
Molecular consequence: missense variant.
Genome position (GRCh38, 1-based): chr2:96,279,482, C>T on the plus strand (G>A on the coding strand, the complement: SNRNP200 is on the minus strand). VCF-style: chr2-96279482-C-T. GRCh37 (hg19) VCF-style: chr2-96945220-C-T.
Other names: short protein forms R1701H.
Identifiers: ClinVar variation 1346832 (VCV001346832.8), dbSNP rs555364253, ClinGen allele CA52386719.

ClinVar aggregate classification (germline): Uncertain significance (1 of 4 stars; one submission).

Allele frequency attached by ClinVar (database versions not stated): TOPMed below 0.00001; gnomAD 0.00001; gnomAD exomes 0.00001; 1000 Genomes Project 30x 0.00016; 1000 Genomes Project 0.00020.
gnomAD v4.1: 13 of 1,613,838 alleles (0.00081%); highest among the groups gnomAD compares: Non-Finnish European, 0.0011%; no homozygotes.

Submission:

Labcorp Genetics (formerly Invitae), Labcorp
Classification: Uncertain significance. Last evaluated: 2025-04-08. Review status: criteria provided, single submitter. Criteria: Invitae Variant Classification Sherloc (09022015). Collection method: clinical testing. Allele origin: germline.
Comment: This sequence change replaces arginine, which is basic and polar, with histidine, which is basic and polar, at codon 1701 of the SNRNP200 protein (p.Arg1701His). This variant is not present in population databases (gnomAD no frequency). This missense change has been observed in individual(s) with clinical features of autosomal dominant retinitis pigmentosa (PMID: 38315492). ClinVar contains an entry for this variant (Variation ID: 1346832). Invitae Evidence Modeling of protein sequence and biophysical properties (such as structural, functional, and spatial information, amino acid conservation, physicochemical variation, residue mobility, and thermodynamic stability) indicates that this missense variant is not expected to disrupt SNRNP200 protein function with a negative predictive value of 95%. In summary, the available evidence is currently insufficient to determine the role of this variant in disease. Therefore, it has been classified as a Variant of Uncertain Significance.

Literature cited by the submitters: PubMed 38315492.